The following is an entry in ClinVar:

NM_001005242.3(PKP2):c.*944C>A

Gene: PKP2 (plakophilin 2; minus strand). Cytogenetic location: 12p11.21.
Variant type: single nucleotide variant.
Coding change: c.*944C>A on transcript NM_001005242.3 (MANE Select); 944 bases downstream of the stop codon, C replaced by A.
Molecular consequence: 3 prime UTR variant.
Genome position (GRCh38, 1-based): chr12:32,791,480, G>T on the plus strand (C>A on the coding strand, the complement: PKP2 is on the minus strand). VCF-style: chr12-32791480-G-T. GRCh37 (hg19) VCF-style: chr12-32944414-G-T.
Other names: c.*944C>A (NM_004572.4).
Identifiers: ClinVar variation 308481 (VCV000308481.6), dbSNP rs6488090, ClinGen allele CA10632629.

ClinVar aggregate classification (germline): Benign. Review status: criteria provided, multiple submitters, no conflicts (2 of 4 stars). 2 submissions from 2 submitters: Benign (2). Last evaluated 2018-01-12.

Conditions:
Arrhythmogenic right ventricular dysplasia 9 (ARVD9). Also called: Arrhythmogenic Right Ventricular Dysplasia/Cardiomyopathy 9; ARRHYTHMOGENIC RIGHT VENTRICULAR DYSPLASIA, FAMILIAL, 9. Identifiers: MedGen C1836906, MONDO:0012180, OMIM 609040.

Allele frequency attached by ClinVar (database versions not stated): 1000 Genomes Project 0.89916; TOPMed 0.90824; gnomAD exomes 1.00000; 1000 Genomes Project 30x 0.89913.

Submissions (2):

Illumina Laboratory Services, Illumina
Classification: Benign for Arrhythmogenic right ventricular dysplasia 9. Last evaluated: 2018-01-12. Review status: criteria provided, single submitter. Criteria: ICSL Variant Classification Criteria 13 December 2019. Collection method: clinical testing. Allele origin: germline.
Comment: This variant was observed in the ICSL laboratory as part of a predisposition screen in an ostensibly healthy population. It had not been previously curated by ICSL or reported in the Human Gene Mutation Database (HGMD: prior to June 1st, 2018), and was therefore a candidate for classification through an automated scoring system. Utilizing variant allele frequency, disease prevalence and penetrance estimates, and inheritance mode, an automated score was calculated to assess if this variant is too frequent to cause the disease. Based on the score and internal cut-off values, a variant classified as benign is not then subjected to further curation. The score for this variant resulted in a classification of benign for this disease.

Breakthrough Genomics
Classification: Benign. Review status: criteria provided, single submitter. Criteria: ACMG Guidelines, 2015. Collection method: not provided. Allele origin: germline. Inheritance: Autosomal dominant inheritance. Affected: yes.